The following is an entry in ClinVar:

NM_000081.4(LYST):c.6953T>G (p.Leu2318Arg)

Gene: LYST (lysosomal trafficking regulator; minus strand). Cytogenetic location: 1q42.3.
Variant type: single nucleotide variant.
Coding change: c.6953T>G on transcript NM_000081.4 (MANE Select); coding-DNA position 6953, T replaced by G.
Protein change: p.Leu2318Arg; replaces leucine 2318 with arginine.
Molecular consequence: missense variant.
Genome position (GRCh38, 1-based): chr1:235,757,387, A>C on the plus strand (T>G on the coding strand, the complement: LYST is on the minus strand). VCF-style: chr1-235757387-A-C. GRCh37 (hg19) VCF-style: chr1-235920687-A-C.
Other names: c.6953T>G, p.Leu2318Arg (NM_001301365.1); short protein forms L2318R.
Identifiers: ClinVar variation 2102067 (VCV002102067.1), dbSNP rs2527785279, ClinGen allele CA344936769.
Genomic context (GRCh38, chr1:235,757,387, plus strand): 5'-ACCAAAAGTGTATCTGCTTGAATAAGCTTGTCCATCACATCTTCAAGCAAAACATCAGGC[A>C]GGATAAGAAGAACCCCACTTAGGAGTTCATATAATCCACAGCATATAGGTACCAAACAGT-3'
Protein context (NP_000072.2, residues 2308-2328): YELLSGVLLI[Leu2318Arg]PDVLLEDVMD

ClinVar aggregate classification (germline): Uncertain significance (1 of 4 stars; one submission).

Conditions:
Chédiak-Higashi syndrome (CHS). Also called: Chediak-Higashi Syndrome. Identifiers: Orphanet 167, MedGen C0007965, MONDO:0008963, OMIM 214500.

Submission:

Labcorp Genetics (formerly Invitae), Labcorp
Classification: Uncertain significance for Chédiak-Higashi syndrome. Last evaluated: 2022-08-01. Review status: criteria provided, single submitter. Criteria: Invitae Variant Classification Sherloc (09022015). Collection method: clinical testing. Allele origin: germline.
Comment: This sequence change replaces leucine, which is neutral and non-polar, with arginine, which is basic and polar, at codon 2318 of the LYST protein (p.Leu2318Arg). This variant is not present in population databases (gnomAD no frequency). This variant has not been reported in the literature in individuals affected with LYST-related conditions. Algorithms developed to predict the effect of missense changes on protein structure and function are either unavailable or do not agree on the potential impact of this missense change (SIFT: "Deleterious"; PolyPhen-2: "Possibly Damaging"; Align-GVGD: "Class C0"). In summary, the available evidence is currently insufficient to determine the role of this variant in disease. Therefore, it has been classified as a Variant of Uncertain Significance.